The following is an entry in ClinVar:

NM_001267550.2(TTN):c.52409C>A (p.Pro17470Gln)

Genes: TTN-AS1 (TTN antisense RNA 1; plus strand), TTN (titin; minus strand). Cytogenetic location: 2q31.2.
Variant type: single nucleotide variant.
Coding change: c.52409C>A on transcript NM_001267550.2 (MANE Select); coding-DNA position 52409, C replaced by A.
Protein change: p.Pro17470Gln; replaces proline 17470 with glutamine.
Molecular consequence: missense variant.
Genome position (GRCh38, 1-based): chr2:178,608,474, G>T on the plus strand (C>A on the coding strand, the complement: TTN is on the minus strand). VCF-style: chr2-178608474-G-T. GRCh37 (hg19) VCF-style: chr2-179473201-G-T.
Other names: p.P15829Q:CCA>CAA; c.47486C>A, p.Pro15829Gln (NM_001256850.1); c.25214C>A, p.Pro8405Gln (NM_003319.4); c.44705C>A, p.Pro14902Gln (NM_133378.4); c.25589C>A, p.Pro8530Gln (NM_133432.3); c.25790C>A, p.Pro8597Gln (NM_133437.4); short protein forms P15829Q, P17470Q, P14902Q, P8405Q, P8530Q, P8597Q.
Identifiers: ClinVar variation 202271 (VCV000202271.29), dbSNP rs372618781, ClinGen allele CA308945.

ClinVar aggregate classification (germline): Conflicting classifications of pathogenicity. Review status: criteria provided, conflicting classifications (1 of 4 stars). 11 submissions from 11 submitters: Uncertain significance (5); Benign (1); Likely benign (1). 4 of the submissions do not count toward it. Last evaluated 2025-05-21.

Conditions:
TTN-related disorder. Also called: TTN-related disorders; TTN-related condition; TTN-related disease.
Dilated cardiomyopathy 1G (CMD1G). Identifiers: Orphanet 154, MedGen C1858763, MONDO:0011400, OMIM 604145.
Tibial muscular dystrophy (TMD). Also called: Udd Distal Myopathy – Tibial Muscular Dystrophy; Tibial muscular dystrophy, tardive; UDD MYOPATHY. Identifiers: Orphanet 609, MedGen C1838244, MONDO:0010870, OMIM 600334.
Myopathy, myofibrillar, 9, with early respiratory failure (MFM9). Also called: Hereditary myopathy with early respiratory failure; EDSTROM MYOPATHY; Myopathy, distal, with early respiratory failure, autosomal dominant; MYOPATHY, PROXIMAL, WITH EARLY RESPIRATORY MUSCLE INVOLVEMENT. Identifiers: Orphanet 178464, Orphanet 34521, MedGen C1863599, MONDO:0011362, OMIM 603689.
Early-onset myopathy with fatal cardiomyopathy (CMYO5). Also called: CONGENITAL MYOPATHY 5 WITH CARDIOMYOPATHY; Salih Myopathy. Identifiers: Orphanet 289377, MedGen C2673677, MONDO:0012714, OMIM 611705. Disease mechanism: loss of function.
Autosomal recessive limb-girdle muscular dystrophy type 2J (LGMDR10). Also called: MUSCULAR DYSTROPHY, LIMB-GIRDLE, AUTOSOMAL RECESSIVE 10; Limb-girdle muscular dystrophy, type 2J. Identifiers: Orphanet 140922, MedGen C1837342, MONDO:0012127, OMIM 608807.
Hypertrophic cardiomyopathy 9. Also called: Familial hypertrophic cardiomyopathy 9. Identifiers: MedGen C1861065, MONDO:0013412, OMIM 613765.
Cardiomyopathy (CMYO). Also called: Cardiomyopathies. Identifiers: Orphanet 167848, MedGen C0878544, MONDO:0004994, HP:0001638. Inheritance: Various modes of inheritance.

Allele frequency attached by ClinVar (database versions not stated): gnomAD 0.00001 and 0.00003; TOPMed 0.00002; ExAC 0.00003.
gnomAD v4.1: 33 of 1,578,158 alleles (0.0021%); highest among the groups gnomAD compares: South Asian, 0.022%; no homozygotes.

Submissions (11):

Revvity Omics, Revvity
Classification: Uncertain significance. Last evaluated: 2025-05-21. Review status: criteria provided, single submitter. Criteria: ACMG Guidelines, 2015. Collection method: clinical testing. Allele origin: germline.

Blueprint Genetics
Classification: Likely benign. Last evaluated: 2024-05-16. Review status: criteria provided, single submitter. Criteria: ACMG Guidelines, 2015. Collection method: clinical testing. Allele origin: germline.

ARUP Laboratories, Molecular Genetics and Genomics, ARUP Laboratories
Classification: Uncertain significance. Last evaluated: 2019-12-15. Review status: criteria provided, single submitter. Criteria: ARUP Molecular Germline Variant Investigation Process. Collection method: clinical testing. Allele origin: germline.
Comment: The TTN c.52409C>A; p.Pro17470Gln variant (rs372618781; ClinVar Variation ID: 202271) is rare in the general population (<1% allele frequency in the Genome Aggregation Database) and has not been reported in the medical literature in association with dilated cardiomyopathy (DCM) or other TTN-related disease. The clinical relevance of rare missense variants in this gene, which are identified on average once per individual sequenced in affected populations (Herman 2012), is not well understood. Yet, evidence suggests that the vast majority of such missense variants do not contribute to the clinical outcome of DCM (Begay 2015). Thus, the clinical significance of the p.Pro17470Gln variant cannot be determined with certainty. References: Begay RL et al. Role of Titin Missense Variants in Dilated Cardiomyopathy. J Am Heart Assoc. 2015 Nov 13;4(11). Herman DS et al. Truncations of titin causing dilated cardiomyopathy. N Engl J Med. 2012 Feb 16;366(7):619-28.

CHEO Genetics Diagnostic Laboratory, Children's Hospital of Eastern Ontario
Classification: Uncertain significance for Cardiomyopathy. Last evaluated: 2019-08-22. Review status: criteria provided, single submitter. Criteria: ACMG Guidelines, 2015. Collection method: clinical testing. Allele origin: germline.

Labcorp Genetics (formerly Invitae), Labcorp
Classification: Uncertain significance for Dilated cardiomyopathy 1G; Autosomal recessive limb-girdle muscular dystrophy type 2J. Last evaluated: 2017-12-04. Review status: criteria provided, single submitter. Criteria: Invitae Variant Classification Sherloc (09022015). Collection method: clinical testing. Allele origin: germline.

GeneDx
Classification: Benign. Last evaluated: 2014-10-16. Review status: criteria provided, single submitter. Criteria: GeneDx Variant Classification (06012015). Collection method: clinical testing. Allele origin: germline. Affected: yes.
Comment: This variant is considered likely benign or benign based on one or more of the following criteria: it is a conservative change, it occurs at a poorly conserved position in the protein, it is predicted to be benign by multiple in silico algorithms, and/or has population frequency not consistent with disease.

Juno Genomics, Hangzhou Juno Genomics, Inc
Classification: Uncertain significance for Hypertrophic cardiomyopathy 9; Myopathy, myofibrillar, 9, with early respiratory failure; Tibial muscular dystrophy; Early-onset myopathy with fatal cardiomyopathy; Dilated cardiomyopathy 1G; Autosomal recessive limb-girdle muscular dystrophy type 2J. Review status: criteria provided, single submitter. Criteria: ACMG Guidelines, 2015. Collection method: clinical testing. Allele origin: germline.
Comment: Absent from controls (or at extremely low frequency if recessive) in Genome Aggregation Database.;Missense variant in a gene that has a low rate of benign missense variation.

PreventionGenetics, part of Exact Sciences
Classification: Uncertain significance for TTN-related condition. Last evaluated: 2024-05-23. Review status: no assertion criteria provided. Collection method: clinical testing. Allele origin: germline. Not counted in ClinVar's aggregate classification.
Comment: The TTN c.52409C>A variant is predicted to result in the amino acid substitution p.Pro17470Gln. To our knowledge, this variant has not been reported in the literature. This variant is reported in 0.026% of alleles in individuals of East Asian descent in gnomAD. At this time, the clinical significance of this variant is uncertain due to the absence of conclusive functional and genetic evidence.

Clinical Genetics DNA and cytogenetics Diagnostics Lab, Erasmus MC, Erasmus Medical Center
Classification: Uncertain significance. Review status: no assertion criteria provided. Collection method: clinical testing. Allele origin: germline. Affected: yes. Study: VKGL Data-share Consensus. Not counted in ClinVar's aggregate classification.

Clinical Genetics, Academic Medical Center
Classification: Uncertain significance. Review status: no assertion criteria provided. Collection method: clinical testing. Allele origin: germline. Affected: yes. Study: VKGL Data-share Consensus. Not counted in ClinVar's aggregate classification.

Joint Genome Diagnostic Labs from Nijmegen and Maastricht, Radboudumc and MUMC+
Classification: Uncertain significance. Review status: no assertion criteria provided. Collection method: clinical testing. Allele origin: germline. Affected: yes. Study: VKGL Data-share Consensus. Not counted in ClinVar's aggregate classification.